The following is an entry in ClinVar:

ClinVar aggregate classification (germline): Conflicting classifications of pathogenicity. Review status: criteria provided, conflicting classifications (1 of 4 stars). 3 submissions from 3 submitters: Uncertain significance (2); Likely benign (1). Last evaluated 2025-07-30.

Conditions:
Wilms tumor 1 (WT1). Also called: Wilms tumor, somatic. Identifiers: Orphanet 654, MedGen CN033288, MONDO:0008679, OMIM 194070.
11p partial monosomy syndrome (WAGR). Also called: WAGR syndrome; WAGR Complex; WAGR Spectrum Disorder; CHROMOSOME 11p13 DELETION SYNDROME. Identifiers: Orphanet 893, MedGen C0206115, MONDO:0008681, OMIM 194072.
Frasier syndrome. Identifiers: Orphanet 347, MedGen C0950122, MeSH D052159, MONDO:0007635, OMIM 136680.
Drash syndrome (DDS). Also called: WILMS TUMOR AND PSEUDO- OR TRUE HERMAPHRODITISM; NEPHROPATHY, WILMS TUMOR, AND GENITAL ANOMALIES. Identifiers: Orphanet 220, MedGen C0950121, MONDO:0008682, OMIM 194080.
Inborn genetic diseases. Identifiers: MedGen C0950123, MeSH D030342.

Allele frequency attached by ClinVar (database versions not stated): gnomAD 0.00001; gnomAD exomes 0.00001; TOPMed 0.00001; ExAC 0.00002.
gnomAD v4.1: 12 of 1,611,364 alleles (0.00074%); highest among the groups gnomAD compares: South Asian, 0.012%; no homozygotes.

Submissions (3):

GeneDx
Classification: Uncertain significance. Last evaluated: 2025-07-30. Review status: criteria provided, single submitter. Criteria: GeneDx Variant Classification Process June 2021. Collection method: clinical testing. Allele origin: germline. Affected: yes.
Comment: Not observed at significant frequency in large population cohorts (gnomAD); In silico analysis supports that this missense variant has a deleterious effect on protein structure/function; Has not been previously published as pathogenic or benign to our knowledge; This variant is associated with the following publications: (PMID: 8486616)

Ambry Genetics
Classification: Likely benign for Inborn genetic diseases. Last evaluated: 2024-08-21. Review status: criteria provided, single submitter. Criteria: Ambry Variant Classification Scheme 2023. Collection method: clinical testing. Allele origin: germline.

Labcorp Genetics (formerly Invitae), Labcorp
Classification: Uncertain significance for Wilms tumor 1; Drash syndrome; 11p partial monosomy syndrome; Frasier syndrome. Last evaluated: 2021-03-21. Review status: criteria provided, single submitter. Criteria: Invitae Variant Classification Sherloc (09022015). Collection method: clinical testing. Allele origin: germline.
Comment: This variant is present in population databases (rs773527284, ExAC 0.01%). In summary, the available evidence is currently insufficient to determine the role of this variant in disease. Therefore, it has been classified as a Variant of Uncertain Significance. Algorithms developed to predict the effect of missense changes on protein structure and function (SIFT, PolyPhen-2, Align-GVGD) all suggest that this variant is likely to be disruptive, but these predictions have not been confirmed by published functional studies and their clinical significance is uncertain. This variant has not been reported in the literature in individuals with WT1-related disease. This sequence change replaces proline with alanine at codon 273 of the WT1 protein (p.Pro273Ala). The proline residue is highly conserved and there is a small physicochemical difference between proline and alanine.

NM_024426.6(WT1):c.832C>G (p.Pro278Ala)

Gene: WT1 (WT1 transcription factor; minus strand). Cytogenetic location: 11p13.
Variant type: single nucleotide variant.
Coding change: c.832C>G on transcript NM_024426.6 (MANE Select); coding-DNA position 832, C replaced by G.
Protein change: p.Pro278Ala; replaces proline 278 with alanine.
Molecular consequence: missense variant. On other transcripts: non-coding transcript variant (1).
Genome position (GRCh38, 1-based): chr11:32,428,011, G>C on the plus strand (C>G on the coding strand, the complement: WT1 is on the minus strand). VCF-style: chr11-32428011-G-C. GRCh37 (hg19) VCF-style: chr11-32449557-G-C.
Other names: c.832C>G, p.Pro278Ala (NM_000378.6, NM_001407044.1, NM_001407045.1 and 4 more transcripts); c.181C>G, p.Pro61Ala (NM_001198551.2, NM_001198552.2); c.709C>G, p.Pro237Ala (NM_001407047.1, NM_001407050.1); c.70C>G, p.Pro24Ala (NM_001407051.1); c.817C>G, p.Pro273Ala (NM_024425.2); short protein forms P278A, P61A, P24A, P237A.
Identifiers: ClinVar variation 577595 (VCV000577595.12), dbSNP rs773527284, ClinGen allele CA065682.